The following is an entry in ClinVar:

ClinVar aggregate classification (germline): Benign. Review status: criteria provided, multiple submitters, no conflicts (2 of 4 stars). 2 submissions from 2 submitters: Benign (2). Last evaluated 2018-06-18.

Allele frequency attached by ClinVar (database versions not stated): TOPMed 0.04224; ESP Exome Variant Server 0.04411; 1000 Genomes Project 30x 0.04575; gnomAD 0.04637 and 0.04887; 1000 Genomes Project 0.04732; gnomAD exomes 0.06314 and 0.06500; ExAC 0.07198.
gnomAD v4.1: 98,876 of 1,560,918 alleles (6.3%); highest among the groups gnomAD compares: South Asian, 10%; 3,583 homozygotes.

Submissions (2):

GeneDx
Classification: Benign. Last evaluated: 2018-06-18. Review status: criteria provided, single submitter. Criteria: GeneDx Variant Classification (06012015). Collection method: clinical testing. Allele origin: germline. Affected: yes.
Comment: This variant is considered likely benign or benign based on one or more of the following criteria: it is a conservative change, it occurs at a poorly conserved position in the protein, it is predicted to be benign by multiple in silico algorithms, and/or has population frequency not consistent with disease.

Breakthrough Genomics
Classification: Benign. Review status: criteria provided, single submitter. Criteria: ACMG Guidelines, 2015. Collection method: not provided. Allele origin: germline. Inheritance: Autosomal dominant inheritance. Affected: yes.

NM_003072.5(SMARCA4):c.4170+45G>A

Gene: SMARCA4 (SWI/SNF related BAF chromatin remodeling complex subunit ATPase 4; plus strand). Cytogenetic location: 19p13.2.
Variant type: single nucleotide variant.
Coding change: c.4170+45G>A on transcript NM_003072.5 (MANE Select); 45 bases into the intron after coding-DNA position 4170, G replaced by A.
Molecular consequence: intron variant.
Genome position (GRCh38, 1-based): chr19:11,035,177, G>A. VCF-style: chr19-11035177-G-A. GRCh37 (hg19) VCF-style: chr19-11145853-G-A.
Other names: c.4170+45G>A (NM_001128844.3, NM_001128849.3, NM_001387283.1); c.4071+45G>A (NM_001128847.4, NM_001374457.1, NM_001128845.2 and 2 more transcripts).
Identifiers: ClinVar variation 676524 (VCV000676524.2), dbSNP rs77858807, ClinGen allele CA9204610.